The following is an entry in ClinVar:

NM_198271.5(LMOD3):c.1415C>A (p.Pro472Gln)

Gene: LMOD3 (leiomodin 3; minus strand). Cytogenetic location: 3p14.1.
Variant type: single nucleotide variant.
Coding change: c.1415C>A on transcript NM_198271.5 (MANE Select); coding-DNA position 1415, C replaced by A.
Protein change: p.Pro472Gln; replaces proline 472 with glutamine.
Molecular consequence: missense variant.
Genome position (GRCh38, 1-based): chr3:69,118,940, G>T on the plus strand (C>A on the coding strand, the complement: LMOD3 is on the minus strand). VCF-style: chr3-69118940-G-T. GRCh37 (hg19) VCF-style: chr3-69168091-G-T.
Other names: c.1415C>A, p.Pro472Gln (NM_001304418.3); c.1415C>A (NM_198271.3, NM_198271.4); short protein forms P472Q.
Identifiers: ClinVar variation 1034836 (VCV001034836.4), dbSNP rs771791740, ClinGen allele CA2488789.
Genomic context (GRCh38, chr3:69,118,940, plus strand): 5'-CTCTTCAGCTTCACCACCCGGAAGGAGTCAGGGTCTGTCCTGTACTTCGGGGCCTGCGAT[G>T]GCTTTTTCATCATTTCACTGCGTTGACTAAAGGGGACATTTTGGGGGTTGGGAGGCCGAG-3'
Protein context (NP_938012.2, residues 462-482): FSQRSEMMKK[Pro472Gln]SQAPKYRTDP

ClinVar aggregate classification (germline): Uncertain significance. Review status: criteria provided, multiple submitters, no conflicts (2 of 4 stars). 2 submissions from 2 submitters: Uncertain significance (2). Last evaluated 2024-08-01.

Conditions:
Inborn genetic diseases. Identifiers: MedGen C0950123, MeSH D030342.
Nemaline myopathy 10 (NEM10). Identifiers: MedGen C4015360, MONDO:0014513, OMIM 616165.

Allele frequency attached by ClinVar (database versions not stated): gnomAD 0.00001 and 0.00002; ExAC 0.00002; gnomAD exomes 0.00004.
gnomAD v4.1: 87 of 1,612,622 alleles (0.0054%); highest among the groups gnomAD compares: Non-Finnish European, 0.007%; no homozygotes.

Submissions (2):

Ambry Genetics
Classification: Uncertain significance for Inborn genetic diseases. Last evaluated: 2024-08-01. Review status: criteria provided, single submitter. Criteria: Ambry Variant Classification Scheme 2023. Collection method: clinical testing. Allele origin: germline.

Labcorp Genetics (formerly Invitae), Labcorp
Classification: Uncertain significance for Nemaline myopathy 10. Last evaluated: 2022-10-19. Review status: criteria provided, single submitter. Criteria: Invitae Variant Classification Sherloc (09022015). Collection method: clinical testing. Allele origin: germline.
Comment: This sequence change replaces proline, which is neutral and non-polar, with glutamine, which is neutral and polar, at codon 472 of the LMOD3 protein (p.Pro472Gln). This variant is present in population databases (rs771791740, gnomAD 0.007%). This variant has not been reported in the literature in individuals affected with LMOD3-related conditions. ClinVar contains an entry for this variant (Variation ID: 1034836). Algorithms developed to predict the effect of missense changes on protein structure and function (SIFT, PolyPhen-2, Align-GVGD) all suggest that this variant is likely to be tolerated. In summary, the available evidence is currently insufficient to determine the role of this variant in disease. Therefore, it has been classified as a Variant of Uncertain Significance.